The following is an entry in ClinVar:

ClinVar aggregate classification (germline): Uncertain significance (1 of 4 stars; one submission).

Conditions:
Severe combined immunodeficiency due to IKK2 deficiency. Also called: IMMUNODEFICIENCY 15B; Immunodeficiency 15. Identifiers: Orphanet 397787, MedGen C4747743, MONDO:0014267, OMIM 615592.

Submission:

Labcorp Genetics (formerly Invitae), Labcorp
Classification: Uncertain significance for Severe combined immunodeficiency due to IKK2 deficiency. Last evaluated: 2022-03-09. Review status: criteria provided, single submitter. Criteria: Invitae Variant Classification Sherloc (09022015). Collection method: clinical testing. Allele origin: germline.
Comment: In summary, the available evidence is currently insufficient to determine the role of this variant in disease. Therefore, it has been classified as a Variant of Uncertain Significance. Advanced modeling of protein sequence and biophysical properties (such as structural, functional, and spatial information, amino acid conservation, physicochemical variation, residue mobility, and thermodynamic stability) performed at Invitae indicates that this missense variant is not expected to disrupt IKBKB protein function. This variant has not been reported in the literature in individuals affected with IKBKB-related conditions. This variant is not present in population databases (gnomAD no frequency). This sequence change replaces glutamine, which is neutral and polar, with arginine, which is basic and polar, at codon 415 of the IKBKB protein (p.Gln415Arg).

NM_001556.3(IKBKB):c.1244A>G (p.Gln415Arg)

Gene: IKBKB (inhibitor of nuclear factor kappa B kinase subunit beta; plus strand). Cytogenetic location: 8p11.21.
Variant type: single nucleotide variant.
Coding change: c.1244A>G on transcript NM_001556.3 (MANE Select); coding-DNA position 1244, A replaced by G.
Protein change: p.Gln415Arg; replaces glutamine 415 with arginine.
Molecular consequence: missense variant. On other transcripts: non-coding transcript variant (3).
Genome position (GRCh38, 1-based): chr8:42,318,555, A>G. VCF-style: chr8-42318555-A-G. GRCh37 (hg19) VCF-style: chr8-42176073-A-G.
Other names: c.1052A>G, p.Gln351Arg (NM_001190720.3); c.1067A>G, p.Gln356Arg (NM_001242778.2); short protein forms Q415R, Q356R, Q351R.
Identifiers: ClinVar variation 2107880 (VCV002107880.4), dbSNP rs2487679224, ClinGen allele CA371087781.